The following is an entry in ClinVar:

NM_001037132.4(NRCAM):c.3654T>C (p.Asp1218=)

Gene: NRCAM (neuronal cell adhesion molecule; minus strand). Cytogenetic location: 7q31.1.
Variant type: single nucleotide variant.
Coding change: c.3654T>C on transcript NM_001037132.4 (MANE Select); coding-DNA position 3654, T replaced by C.
Protein change: p.Asp1218=; no amino-acid change (aspartic acid 1218 retained).
Molecular consequence: synonymous variant. On other transcripts: non-coding transcript variant (5).
Genome position (GRCh38, 1-based): chr7:108,159,486, A>G on the plus strand (T>C on the coding strand, the complement: NRCAM is on the minus strand). VCF-style: chr7-108159486-A-G. GRCh37 (hg19) VCF-style: chr7-107799931-A-G.
Other names: c.3375T>C, p.Asp1125= (NM_001193582.2, NM_001371128.1, NM_001371144.1 and 1 more transcripts); c.3318T>C, p.Asp1106= (NM_001193583.2, NM_001371122.1, NM_001371139.1 and 7 more transcripts); c.3282T>C, p.Asp1094= (NM_001193584.2, NM_001371162.1); c.3606T>C, p.Asp1202= (NM_001371119.1); c.3384T>C, p.Asp1128= (NM_001371123.1, NM_001371149.1); c.3597T>C, p.Asp1199= (NM_001371124.1, NM_001371126.1, NM_001371172.1); c.3030T>C, p.Asp1010= (NM_001371125.1, NM_001371147.1); c.3372T>C, p.Asp1124= (NM_001371127.1); and 24 more.
Identifiers: ClinVar variation 4085381 (VCV004085381.8).

ClinVar aggregate classification (germline): Likely benign (1 of 4 stars; one submission).

Submission:

CeGaT Center for Human Genetics Tuebingen
Classification: Likely benign. Last evaluated: 2025-08-01. Review status: criteria provided, single submitter. Criteria: CeGaT Center For Human Genetics Tuebingen Variant Classification Criteria Version 2. Collection method: clinical testing. Allele origin: germline. Affected: yes. Observed: 1 variant allele.
Comment: NRCAM: PM2:Supporting, BP4, BP7